The following is an entry in ClinVar:

ClinVar aggregate classification (germline): Uncertain significance (1 of 4 stars; one submission).

Submission:

Ambry Genetics
Classification: Uncertain significance. Last evaluated: 2026-04-09. Review status: criteria provided, single submitter. Criteria: Ambry Variant Classification Scheme 2023. Collection method: clinical testing. Allele origin: germline.
Comment: The p.E276K variant (also known as c.826G>A), located in coding exon 4 of the PALLD gene, results from a G to A substitution at nucleotide position 826. The glutamic acid at codon 276 is replaced by lysine, an amino acid with similar properties. This amino acid position is conserved. In addition, this alteration is predicted to be tolerated by in silico analysis. Based on the available evidence, the clinical significance of this variant remains unclear.

NM_001166108.2(PALLD):c.2338G>A (p.Glu780Lys)

Genes: CBR4 (carbonyl reductase 4; minus strand), PALLD (palladin, cytoskeletal associated protein; plus strand). Cytogenetic location: 4q32.3.
Variant type: single nucleotide variant.
Coding change: c.2338G>A on transcript NM_001166108.2 (MANE Select); coding-DNA position 2338, G replaced by A.
Protein change: p.Glu780Lys; replaces glutamic acid 780 with lysine.
Molecular consequence: missense variant.
Genome position (GRCh38, 1-based): chr4:168,898,580, G>A. VCF-style: chr4-168898580-G-A. GRCh37 (hg19) VCF-style: chr4-169819731-G-A.
Other names: c.1141G>A, p.Glu381Lys (NM_001166109.2); c.826G>A, p.Glu276Lys (NM_001166110.2); c.166G>A, p.Glu56Lys (NM_001367567.1, NM_001367569.1); c.217G>A, p.Glu73Lys (NM_001367568.1, NM_001367570.1); c.2287G>A, p.Glu763Lys (NM_016081.4); short protein forms E276K, E381K, E56K, E73K, E763K, E780K.
Identifiers: ClinVar variation 4861531 (VCV004861531.1).